The following is an entry in ClinVar:

ClinVar aggregate classification (germline): Uncertain significance (1 of 4 stars; one submission).

Conditions:
Familial acute necrotizing encephalopathy (IIAE3). Also called: ENCEPHALOPATHY, ACUTE, INFECTION-INDUCED, SUSCEPTIBILITY TO, 3; Susceptibility to Acute Necrotizing Encephalopathy 1. Identifiers: Orphanet 88619, MedGen C2675556, MONDO:0011953, OMIM 608033.

Submission:

Labcorp Genetics (formerly Invitae), Labcorp
Classification: Uncertain significance for Familial acute necrotizing encephalopathy. Last evaluated: 2020-09-26. Review status: criteria provided, single submitter. Criteria: Invitae Variant Classification Sherloc (09022015). Collection method: clinical testing. Allele origin: germline.
Comment: In summary, the available evidence is currently insufficient to determine the role of this variant in disease. Therefore, it has been classified as a Variant of Uncertain Significance. Experimental studies and prediction algorithms are not available or were not evaluated, and the functional significance of this variant is currently unknown. This variant has not been reported in the literature in individuals with RANBP2-related conditions. This variant results in a copy number gain of the genomic region encompassing exon(s) 1 of the RANBP2 gene, which includes the initiator codon. The 5' end of this event is unknown as it extends beyond the assayed region for this gene and therefore may encompass additional genes. The 3' boundary is likely confined to intron 1 of the RANBP2 gene. As the precise location of this event is unknown, it may be in tandem or it may be located elsewhere in the genome.

NC_000002.11:g.(?_108604612)_(109336154_?)dup

Genes: GCC2 (GRIP and coiled-coil domain containing 2; plus strand), LIMS1 (LIM zinc finger domain containing 1; plus strand), RANBP2 (RAN binding protein 2; plus strand), SLC5A7 (solute carrier family 5 member 7; plus strand), SULT1C2 (sulfotransferase family 1C member 2; plus strand) and 2 more. Cytogenetic location: 2q12.3.
Variant type: Duplication.
Identifiers: ClinVar variation 1064222 (VCV001064222.3).